The following is an entry in ClinVar:

ClinVar aggregate classification (germline): Likely benign. Review status: criteria provided, multiple submitters, no conflicts (2 of 4 stars). 2 submissions from 2 submitters: Likely benign (2). Last evaluated 2026-09-01.

Allele frequency attached by ClinVar (database versions not stated): 1000 Genomes Project 30x 0.00109; 1000 Genomes Project 0.00120; TOPMed 0.00308; gnomAD 0.00369; gnomAD exomes 0.00455.
gnomAD v4.1: 1,646 of 398,868 alleles (0.41%); highest among the groups gnomAD compares: Non-Finnish European, 0.49%; 5 homozygotes.

Submissions (2):

CeGaT Center for Human Genetics Tuebingen
Classification: Likely benign. Last evaluated: 2026-09-01. Review status: criteria provided, single submitter. Criteria: CeGaT Center For Human Genetics Tuebingen Variant Classification Criteria Version 2. Collection method: clinical testing. Allele origin: germline. Affected: yes. Observed: 33 variant alleles.
Comment: KCNQ1OT1: BS2

Blueprint Genetics
Classification: Likely benign. Last evaluated: 2024-11-26. Review status: criteria provided, single submitter. Criteria: ACMG Guidelines, 2015. Collection method: clinical testing. Allele origin: germline.

NM_000218.3(KCNQ1):c.1514+26113G>A

Genes: KCNQ1 (potassium voltage-gated channel subfamily Q member 1; plus strand), KCNQ1OT1 (KCNQ1 opposite strand/antisense transcript 1; minus strand). Cytogenetic location: 11p15.5.
Variant type: single nucleotide variant.
Coding change: c.1514+26113G>A on transcript NM_000218.3 (MANE Select); 26113 bases into the intron after coding-DNA position 1514, G replaced by A.
Molecular consequence: intron variant.
Genome position (GRCh38, 1-based): chr11:2,688,194, G>A. VCF-style: chr11-2688194-G-A. GRCh37 (hg19) VCF-style: chr11-2709424-G-A.
Other names: c.1244+26113G>A (NM_001406837.1); c.1418+26113G>A (NM_001406836.1); c.974+26113G>A (NM_001406838.1); c.1133+26113G>A (NM_181798.2).
Identifiers: ClinVar variation 1711311 (VCV001711311.31), dbSNP rs189997970, ClinGen allele CA216190351.